The following is an entry in ClinVar:

ClinVar aggregate classification (germline): Uncertain significance. Review status: criteria provided, multiple submitters, no conflicts (2 of 4 stars). 5 submissions from 5 submitters: Uncertain significance (5). Last evaluated 2026-09-01.

Conditions:
Acromicric dysplasia (ACMICD). Also called: Acromicric skeletal dysplasia. Identifiers: Orphanet 969, MedGen C0265287, MONDO:0007055, OMIM 102370.
MASS syndrome (OCTD). Also called: OVERLAP CONNECTIVE TISSUE DISEASE; MASS PHENOTYPE. Identifiers: MedGen C1858556, MONDO:0011431, OMIM 604308.
Stiff skin syndrome (SSKS). Identifiers: Orphanet 2833, MedGen C1861456, MONDO:0008492, OMIM 184900.
Progeroid and marfanoid aspect-lipodystrophy syndrome. Also called: MARFANOID-PROGEROID-LIPODYSTROPHY SYNDROME; MARFANOID-PROGEROID SYNDROME; MARFAN-PROGEROID-LIPODYSTROPHY SYNDROME; Marfan lipodystrophy syndrome. Identifiers: Orphanet 300382, MedGen C4310796, MONDO:0014831, OMIM 616914.
Ectopia lentis 1, isolated, autosomal dominant (ECTOL1). Identifiers: Orphanet 1885, MedGen C3541518, MONDO:0007514, OMIM 129600.
Marfan syndrome (MFS). Also called: MARFAN SYNDROME, TYPE I; Marfan syndrome type 1; Marfan's syndrome; Marfan syndrome, classic; FBN1-Related Marfan Syndrome. Identifiers: Orphanet 284963, Orphanet 558, MedGen C0024796, MONDO:0007947, OMIM 154700.
Weill-Marchesani syndrome 2, dominant. Also called: FBN1-Related Weill-Marchesani Syndrome; Weill-Marchesani Syndrome, Autosomal Dominant. Identifiers: Orphanet 2084, MedGen C1869115, MONDO:0012013, OMIM 608328.
Geleophysic dysplasia 2 (GPHYSD2). Identifiers: Orphanet 2623, MedGen C3280054, MONDO:0013612, OMIM 614185.
Familial thoracic aortic aneurysm and aortic dissection (TAAD). Also called: Thoracic aortic aneurysms and dissections. Identifiers: Orphanet 91387, MedGen C4707243, MONDO:0019625.

gnomAD v4.1: 1 of 1,614,034 alleles (0.000062%); highest among the groups gnomAD compares: Middle Eastern, 0.016%; no homozygotes.

Submissions (5):

CeGaT Center for Human Genetics Tuebingen
Classification: Uncertain significance. Last evaluated: 2026-09-01. Review status: criteria provided, single submitter. Criteria: CeGaT Center For Human Genetics Tuebingen Variant Classification Criteria Version 2. Collection method: clinical testing. Allele origin: germline. Affected: yes. Observed: 1 variant allele.
Comment: FBN1: PM2

Ambry Genetics
Classification: Uncertain significance for Familial thoracic aortic aneurysm and aortic dissection. Last evaluated: 2025-05-20. Review status: criteria provided, single submitter. Criteria: Ambry Variant Classification Scheme 2023. Collection method: clinical testing. Allele origin: germline.
Comment: The p.R1388L variant (also known as c.4163G>T), located in coding exon 33 of the FBN1 gene, results from a G to T substitution at nucleotide position 4163. The arginine at codon 1388 is replaced by leucine, an amino acid with dissimilar properties. This amino acid position is well conserved in available vertebrate species. In addition, this alteration is predicted to be deleterious by in silico analysis. Based on the available evidence, the clinical significance of this variant remains unclear.

Victorian Clinical Genetics Services, Murdoch Childrens Research Institute
Classification: Uncertain significance for Marfan syndrome. Last evaluated: 2022-02-02. Review status: criteria provided, single submitter. Criteria: ACMG Guidelines, 2015. Collection method: clinical testing. Allele origin: germline. Inheritance: Autosomal dominant inheritance. Affected: yes.
Comment: Based on the classification scheme VCGS_Germline_v1.3.4, this variant is classified as VUS-3B. Following criteria are met: 0103 - Dominant negative and loss of function are known mechanisms of disease in this gene and are associated with FBN1-related disease. Variants predicted to result in nonsense mediated decay cause loss of function effects, and are more commonly associated with severe Marfan syndrome (MIM#154700). Missense variants with both dominant negative and loss of function effects on protein function, are associated with Marfan syndrome and ectopia lentis (MIM#129600) (OMIM, PMID: 29357934). The exact genotype-phenotype correlation for this gene is still unclear, and is compounded by variable expressivity (PMID: 20301510). (I) 0107 - This gene is predominantly associated with autosomal dominant disease; autosomal recessive forms of Marfan syndrome have been reported infrequently (PMID: 27274304; 31950671). 0115 - Variants in this gene are known to have variable expressivity. The genotype-phenotype correlations for this gene are unclear, with single variants reported in patients with a range of phenotypes (PMID: 20301510, OMIM). (I) 0200 - Variant is predicted to result in a missense amino acid change from arginine to leucine. (I) 0251 - This variant is heterozygous. (I) 0301 - Variant is absent from gnomAD (both v2 and v3). (SP) 0309 - Alternative amino acid changes at the same position have been observed in gnomAD (v2, v3) (6 heterozygotes, 0 homozygotes). (I) 0501 - Missense variant consistently predicted to be damaging by multiple in silico tools or highly conserved with a major amino acid change. (SP) 0600 - Variant is located in the annotated EGF-like repeat domain 23 (UniProt, NCBI). (I) 0710 - Other missense variants comparable to the one identified in this case have inconclusive previous evidence for pathogenicity. These alternative changes (p.(Arg1388Cys), p.(Arg1388His), p.(Arg1388Pro)) have been reported as VUS, and observed in an individual with sudden unexplained death and another individual with Stanford type A aortic dissection (ClinVar, PMID: 34422331, PMID: 27930701)] (I) 0809 - Previous evidence of pathogenicity for this variant is inconclusive. This variant has been reported as a VUS (ClinVar). (I) 0905 - No published segregation evidence has been identified for this variant. (I) 1007 - No published functional evidence has been identified for this variant. (I) 1208 - Inheritance information for this variant is not currently available in this individual. (I) Legend: (SP) - Supporting pathogenic, (I) - Information, (SB) - Supporting benign

Fulgent Genetics
Classification: Uncertain significance for Acromicric dysplasia; Ectopia lentis 1, isolated, autosomal dominant; Marfan syndrome; Stiff skin syndrome; MASS syndrome; Weill-Marchesani syndrome 2, dominant; Geleophysic dysplasia 2; Progeroid and marfanoid aspect-lipodystrophy syndrome. Last evaluated: 2021-10-12. Review status: criteria provided, single submitter. Criteria: ACMG Guidelines, 2015. Collection method: clinical testing. Allele origin: unknown.

Color Diagnostics, LLC DBA Color Health
Classification: Uncertain significance for Familial thoracic aortic aneurysm and aortic dissection. Last evaluated: 2019-05-15. Review status: criteria provided, single submitter. Criteria: ACMG Guidelines, 2015. Collection method: clinical testing. Allele origin: germline.

Literature cited by the submitters: NCBI Bookshelf NBK1335 (cited by Victorian Clinical Genetics Services, Murdoch Childrens Research Institute); PubMed 20301510 (cited by Victorian Clinical Genetics Services, Murdoch Childrens Research Institute); PubMed 27274304 (cited by Victorian Clinical Genetics Services, Murdoch Childrens Research Institute); PubMed 27930701 (cited by Victorian Clinical Genetics Services, Murdoch Childrens Research Institute); PubMed 29357934 (cited by Victorian Clinical Genetics Services, Murdoch Childrens Research Institute); PubMed 31950671 (cited by Victorian Clinical Genetics Services, Murdoch Childrens Research Institute); PubMed 34422331 (cited by Victorian Clinical Genetics Services, Murdoch Childrens Research Institute).

NM_000138.5(FBN1):c.4163G>T (p.Arg1388Leu)

Gene: FBN1 (fibrillin 1; minus strand). Cytogenetic location: 15q21.1.
Variant type: single nucleotide variant.
Coding change: c.4163G>T on transcript NM_000138.5 (MANE Select); coding-DNA position 4163, G replaced by T.
Protein change: p.Arg1388Leu; replaces arginine 1388 with leucine.
Molecular consequence: missense variant.
Genome position (GRCh38, 1-based): chr15:48,474,302, C>A on the plus strand (G>T on the coding strand, the complement: FBN1 is on the minus strand). VCF-style: chr15-48474302-C-A. GRCh37 (hg19) VCF-style: chr15-48766499-C-A.
Other names: short protein forms R1388L.
Identifiers: ClinVar variation 922079 (VCV000922079.7), dbSNP rs749196340, ClinGen allele CA392320166.
Genomic context (GRCh38, chr15:48,474,302, plus strand): 5'-AGCGTGAACATACCTGTACAAGTGAAGCCATCACCTGTGTATCCTTCCTTGCACAGACAG[C>A]GGTAAGATCCCATGGTATTCTTGCAGTCTGCATGCTGGCTGCACATATGGGTTCCATTGG-3'
Protein context (NP_000129.3, residues 1378-1398): ADCKNTMGSY[Arg1388Leu]CLCKEGYTGD